The following is an entry in ClinVar:

ClinVar aggregate classification (germline): Pathogenic (1 of 4 stars; one submission).

Submission:

Labcorp Genetics (formerly Invitae), Labcorp
Classification: Pathogenic. Last evaluated: 2024-10-17. Review status: criteria provided, single submitter. Criteria: Invitae Variant Classification Sherloc (09022015). Collection method: clinical testing. Allele origin: germline.
Comment: This sequence change creates a premature translational stop signal (p.Pro1022Hisfs*120) in the AHDC1 gene. It is expected to result in an absent or disrupted protein product. Loss-of-function variants in AHDC1 are known to be pathogenic (PMID: 24791903, 27148574). This variant is not present in population databases (gnomAD no frequency). This variant has not been reported in the literature in individuals affected with AHDC1-related conditions. For these reasons, this variant has been classified as Pathogenic.

Literature cited by the submitters: PubMed 24791903; PubMed 27148574.

NM_001371928.1(AHDC1):c.3065del (p.Pro1022fs)

Gene: AHDC1 (AT-hook DNA binding motif containing 1; minus strand). Cytogenetic location: 1p36.11.
Variant type: Deletion.
Coding change: c.3065del on transcript NM_001371928.1 (MANE Select); coding-DNA position 3065, one base deleted (C; older notation c.3065delC).
Protein change: p.Pro1022fs; shifts the reading frame from proline 1022.
Molecular consequence: frameshift variant.
Genome position (GRCh38, 1-based): chr1:27,549,051, G deleted on the plus strand (C on the coding strand, the reverse complement: AHDC1 is on the minus strand); the first of 4 consecutive G bases (chr1:27,549,051-27,549,054); deleting any one gives the same sequence. VCF-style (leftmost placement, unchanged base first): chr1-27549050-TG-T. GRCh37 (hg19) VCF-style: chr1-27875561-TG-T.
Other names: c.3065del, p.Pro1022fs (NM_001029882.3); short protein forms P1022fs.
Identifiers: ClinVar variation 3644550 (VCV003644550.2).